The following is an entry in ClinVar:

ClinVar aggregate classification (germline): Uncertain significance (1 of 4 stars; one submission).

Submission:

GeneDx
Classification: Uncertain significance. Last evaluated: 2025-10-04. Review status: criteria provided, single submitter. Criteria: GeneDx Variant Classification Process June 2021. Collection method: clinical testing. Allele origin: germline. Affected: yes.
Comment: Not observed at significant frequency in large population cohorts (gnomAD); Canonical splice site variant in a gene or region of a gene for which loss of function is not a well-established mechanism of disease; Has not been previously published as pathogenic or benign to our knowledge

NM_001999.4(FBN2):c.255-1G>T

Gene: FBN2 (fibrillin 2; minus strand). Cytogenetic location: 5q23.3.
Variant type: single nucleotide variant.
Coding change: c.255-1G>T on transcript NM_001999.4 (MANE Select); the canonical splice acceptor site of the intron before coding-DNA position 255, G replaced by T.
Molecular consequence: splice acceptor variant.
Genome position (GRCh38, 1-based): chr5:128,536,485, C>A on the plus strand (G>T on the coding strand, the complement: FBN2 is on the minus strand). VCF-style: chr5-128536485-C-A. GRCh37 (hg19) VCF-style: chr5-127872178-C-A.
Identifiers: ClinVar variation 4819526 (VCV004819526.1).